The following is an entry in ClinVar:

ClinVar aggregate classification (germline): Uncertain significance (1 of 4 stars; one submission).

Conditions:
Neuropathy, hereditary sensory and autonomic, type 1C. Also called: HSAN IC; HSN IC. Identifiers: Orphanet 36386, MedGen C3150896, MONDO:0013337, OMIM 613640.

Submission:

Labcorp Genetics (formerly Invitae), Labcorp
Classification: Uncertain significance for Neuropathy, hereditary sensory and autonomic, type 1C. Last evaluated: 2021-03-10. Review status: criteria provided, single submitter. Criteria: Invitae Variant Classification Sherloc (09022015). Collection method: clinical testing. Allele origin: germline.
Comment: In summary, the available evidence is currently insufficient to determine the role of this variant in disease. Therefore, it has been classified as a Variant of Uncertain Significance. Algorithms developed to predict the effect of missense changes on protein structure and function are either unavailable or do not agree on the potential impact of this missense change (SIFT: "Deleterious"; PolyPhen-2: "Probably Damaging"; Align-GVGD: "Class C0"). This variant has not been reported in the literature in individuals with SPTLC2-related conditions. This variant is not present in population databases (ExAC no frequency). This sequence change replaces tyrosine with cysteine at codon 340 of the SPTLC2 protein (p.Tyr340Cys). The tyrosine residue is highly conserved and there is a large physicochemical difference between tyrosine and cysteine.

NM_004863.4(SPTLC2):c.1019A>G (p.Tyr340Cys)

Gene: SPTLC2 (serine palmitoyltransferase long chain base subunit 2; minus strand). Cytogenetic location: 14q24.3.
Variant type: single nucleotide variant.
Coding change: c.1019A>G on transcript NM_004863.4 (MANE Select); coding-DNA position 1019, A replaced by G.
Protein change: p.Tyr340Cys; replaces tyrosine 340 with cysteine.
Molecular consequence: missense variant.
Genome position (GRCh38, 1-based): chr14:77,555,457, T>C on the plus strand (A>G on the coding strand, the complement: SPTLC2 is on the minus strand). VCF-style: chr14-77555457-T-C. GRCh37 (hg19) VCF-style: chr14-78021800-T-C.
Other names: short protein forms Y340C.
Identifiers: ClinVar variation 1417160 (VCV001417160.8), dbSNP rs2140020594, ClinGen allele CA390708988.